The following is an entry in ClinVar:

ClinVar aggregate classification (germline): Likely benign. Review status: criteria provided, multiple submitters, no conflicts (2 of 4 stars). 3 submissions from 3 submitters: Likely benign (3). Last evaluated 2025-12-03.

Conditions:
Cardiovascular phenotype. Identifiers: MedGen CN230736.
Autosomal recessive limb-girdle muscular dystrophy type 2J (LGMDR10). Also called: MUSCULAR DYSTROPHY, LIMB-GIRDLE, AUTOSOMAL RECESSIVE 10; Limb-girdle muscular dystrophy, type 2J. Identifiers: Orphanet 140922, MedGen C1837342, MONDO:0012127, OMIM 608807.
Dilated cardiomyopathy 1G (CMD1G). Identifiers: Orphanet 154, MedGen C1858763, MONDO:0011400, OMIM 604145.

Allele frequency attached by ClinVar (database versions not stated): gnomAD exomes below 0.00001 and 0.00001; gnomAD 0.00001; TOPMed 0.00002.
gnomAD v4.1: 9 of 1,612,918 alleles (0.00056%); highest among the groups gnomAD compares: African/African-American, 0.0027%; no homozygotes.

Submissions (3):

Labcorp Genetics (formerly Invitae), Labcorp
Classification: Likely benign for Dilated cardiomyopathy 1G; Autosomal recessive limb-girdle muscular dystrophy type 2J. Last evaluated: 2025-12-03. Review status: criteria provided, single submitter. Criteria: Invitae Variant Classification Sherloc (09022015). Collection method: clinical testing. Allele origin: germline.

Ambry Genetics
Classification: Likely benign for Cardiovascular phenotype. Last evaluated: 2021-12-13. Review status: criteria provided, single submitter. Criteria: Ambry Variant Classification Scheme 2023. Collection method: clinical testing. Allele origin: germline.

GeneDx
Classification: Likely benign. Last evaluated: 2017-10-24. Review status: criteria provided, single submitter. Criteria: GeneDx Variant Classification (06012015). Collection method: clinical testing. Allele origin: germline. Affected: yes.
Comment: This variant is considered likely benign or benign based on one or more of the following criteria: it is a conservative change, it occurs at a poorly conserved position in the protein, it is predicted to be benign by multiple in silico algorithms, and/or has population frequency not consistent with disease.

NM_001267550.2(TTN):c.83277T>C (p.Val27759=)

Genes: TTN (titin; minus strand), TTN-AS1 (TTN antisense RNA 1; plus strand). Cytogenetic location: 2q31.2.
Variant type: single nucleotide variant.
Coding change: c.83277T>C on transcript NM_001267550.2 (MANE Select); coding-DNA position 83277, T replaced by C.
Protein change: p.Val27759=; no amino-acid change (valine 27759 retained).
Molecular consequence: synonymous variant.
Genome position (GRCh38, 1-based): chr2:178,562,855, A>G on the plus strand (T>C on the coding strand, the complement: TTN is on the minus strand). VCF-style: chr2-178562855-A-G. GRCh37 (hg19) VCF-style: chr2-179427582-A-G.
Other names: c.78354T>C, p.Val26118= (NM_001256850.1); c.56082T>C, p.Val18694= (NM_003319.4); c.75573T>C, p.Val25191= (NM_133378.4); c.56457T>C, p.Val18819= (NM_133432.3); c.56658T>C, p.Val18886= (NM_133437.4).
Identifiers: ClinVar variation 513061 (VCV000513061.12), dbSNP rs1341739001, ClinGen allele CA430250692.
Genomic context (GRCh38, chr2:178,562,855, plus strand): 5'-CTTCACTTCTCTTATGGTCAAATTCACAGGGGCACTTGGTGAGTCAAGAACTCTGACGTT[A>G]ACAAAAGCTGTTTTGGAGCCACTATTATTTTCTAATGTCAGATTATACCGACCACTGTCA-3'
Protein context (NP_001254479.2, residues 27749-27769): ENNSGSKTAF[Val27759=]NVRVLDSPSA